The following is an entry in ClinVar:

ClinVar aggregate classification (germline): Pathogenic. Review status: criteria provided, single submitter (1 of 4 stars). 2 submissions from 2 submitters: Pathogenic (1). 1 of the submissions does not count toward it. Last evaluated 2019-11-10.

Submissions (2):

Labcorp Genetics (formerly Invitae), Labcorp
Classification: Pathogenic. Last evaluated: 2019-11-10. Review status: criteria provided, single submitter. Criteria: Invitae Variant Classification Sherloc (09022015). Collection method: clinical testing. Allele origin: germline.
Comment: This sequence change affects a donor splice site in intron 47 of the COL4A5 gene. It is expected to disrupt RNA splicing and likely results in an absent or disrupted protein product. This variant is not present in population databases (ExAC no frequency). Disruption of this splice site has been observed in individual(s) with X-linked Alport syndrome (PMID: 7485125, 26809805). It has also been observed to segregate with disease in related individuals. ClinVar contains an entry for this variant (Variation ID: 562410). Donor and acceptor splice site variants typically lead to a loss of protein function (PMID: 16199547), and loss-of-function variants in COL4A5 are known to be pathogenic (PMID: 9195222, 10752524, 14514738, 24854265, 26809805). For these reasons, this variant has been classified as Pathogenic.

Gharavi Laboratory, Columbia University
Classification: Pathogenic. Last evaluated: 2018-09-16. Review status: no assertion criteria provided. Criteria: ACMG Guidelines, 2015. Collection method: research. Allele origin: germline. Affected: yes. Not counted in ClinVar's aggregate classification.

Literature cited by the submitters: PubMed 7485125 (cited by Labcorp Genetics (formerly Invitae), Labcorp); PubMed 26809805 (cited by Labcorp Genetics (formerly Invitae), Labcorp); PubMed 16199547 (cited by Labcorp Genetics (formerly Invitae), Labcorp); PubMed 9195222 (cited by Labcorp Genetics (formerly Invitae), Labcorp); PubMed 10752524 (cited by Labcorp Genetics (formerly Invitae), Labcorp); PubMed 14514738 (cited by Labcorp Genetics (formerly Invitae), Labcorp); PubMed 24854265 (cited by Labcorp Genetics (formerly Invitae), Labcorp).

NM_033380.3(COL4A5):c.4528+1G>A

Gene: COL4A5 (collagen type IV alpha 5 chain; plus strand). Cytogenetic location: Xq22.3.
Variant type: single nucleotide variant.
Coding change: c.4528+1G>A on transcript NM_033380.3 (MANE Select); the canonical splice donor site of the intron after coding-DNA position 4528, G replaced by A.
Molecular consequence: splice donor variant.
Genome position (GRCh38, 1-based): chrX:108,687,695, G>A. VCF-style: chrX-108687695-G-A. GRCh37 (hg19) VCF-style: chrX-107930925-G-A.
Other names: c.4510+1G>A (NM_000495.5).
Identifiers: ClinVar variation 562410 (VCV000562410.9), dbSNP rs104886413, ClinGen allele CA413854833.